The following is an entry in ClinVar:

NM_005732.4(RAD50):c.1866G>A (p.Leu622=)

Gene: RAD50 (RAD50 double strand break repair protein; plus strand). Cytogenetic location: 5q31.1.
Variant type: single nucleotide variant.
Coding change: c.1866G>A on transcript NM_005732.4 (MANE Select); coding-DNA position 1866, G replaced by A.
Protein change: p.Leu622=; no amino-acid change (leucine 622 retained).
Molecular consequence: synonymous variant.
Genome position (GRCh38, 1-based): chr5:132,594,941, G>A. VCF-style: chr5-132594941-G-A. GRCh37 (hg19) VCF-style: chr5-131930633-G-A.
Identifiers: ClinVar variation 1781585 (VCV001781585.3), dbSNP rs1060501948, ClinGen allele CA446362064.

ClinVar aggregate classification (germline): Conflicting classifications of pathogenicity. Review status: criteria provided, conflicting classifications (1 of 4 stars). 2 submissions from 2 submitters: Uncertain significance (1); Likely benign (1). Last evaluated 2023-07-13.

Conditions:
Hereditary cancer-predisposing syndrome. Also called: Neoplastic Syndromes, Hereditary; Tumor predisposition; Hereditary Cancer Syndrome; Hereditary neoplastic syndrome. Identifiers: Orphanet 140162, MedGen C0027672, MeSH D009386, MONDO:0015356.

Submissions (2):

Quest Diagnostics Nichols Institute San Juan Capistrano
Classification: Uncertain significance. Last evaluated: 2023-07-13. Review status: criteria provided, single submitter. Criteria: Quest Diagnostics criteria. Collection method: clinical testing. Allele origin: unknown.
Comment: To the best of our knowledge, this variant has not been reported in the published literature. It also has not been reported in large, multi-ethnic general populations (Genome Aggregation Database). Analysis of this variant using software algorithms for the prediction of the effect of nucleotide changes on splicing yielded predictions that this variant does not affect RAD50 mRNA splicing . Based on the available information, we are unable to determine the clinical significance of this variant.

Ambry Genetics
Classification: Likely benign for Hereditary cancer-predisposing syndrome. Last evaluated: 2021-05-13. Review status: criteria provided, single submitter. Criteria: Ambry Variant Classification Scheme 2023. Collection method: clinical testing. Allele origin: germline.